The following is an entry in ClinVar:

ClinVar aggregate classification (germline): Uncertain significance (1 of 4 stars; one submission).

Conditions:
TP63-Related Spectrum Disorders.

gnomAD v4.1: 1 of 1,612,994 alleles (0.000062%); highest among the groups gnomAD compares: Non-Finnish European, 0.000085%; no homozygotes.

Submission:

Labcorp Genetics (formerly Invitae), Labcorp
Classification: Uncertain significance. Last evaluated: 2023-06-28. Review status: criteria provided, single submitter. Criteria: Invitae Variant Classification Sherloc (09022015). Collection method: clinical testing. Allele origin: germline.
Comment: In summary, the available evidence is currently insufficient to determine the role of this variant in disease. Therefore, it has been classified as a Variant of Uncertain Significance. This sequence change replaces glutamine, which is neutral and polar, with proline, which is neutral and non-polar, at codon 12 of the TP63 protein (p.Gln12Pro). This variant is not present in population databases (gnomAD no frequency). This variant has not been reported in the literature in individuals affected with TP63-related conditions. Algorithms developed to predict the effect of missense changes on protein structure and function output the following: SIFT: "Not Available"; PolyPhen-2: "Benign"; Align-GVGD: "Not Available". The proline amino acid residue is found in multiple mammalian species, which suggests that this missense change does not adversely affect protein function.

NM_003722.5(TP63):c.35A>C (p.Gln12Pro)

Gene: TP63 (tumor protein p63; plus strand). Cytogenetic location: 3q28.
Variant type: single nucleotide variant.
Coding change: c.35A>C on transcript NM_003722.5 (MANE Select); coding-DNA position 35, A replaced by C.
Protein change: p.Gln12Pro; replaces glutamine 12 with proline.
Molecular consequence: missense variant. On other transcripts: intron variant (1).
Genome position (GRCh38, 1-based): chr3:189,631,550, A>C. VCF-style: chr3-189631550-A-C. GRCh37 (hg19) VCF-style: chr3-189349339-A-C.
Other names: c.35A>C, p.Gln12Pro (NM_001114978.2, NM_001114979.2, NM_001329144.2 and 1 more transcripts); c.56+34312A>C (NM_001329964.2); short protein forms Q12P.
Identifiers: ClinVar variation 2730899 (VCV002730899.2), dbSNP rs1202549612, ClinGen allele CA355858677.